The following is an entry in ClinVar:

ClinVar aggregate classification (germline): Likely benign. Review status: criteria provided, multiple submitters, no conflicts (2 of 4 stars). 5 submissions from 5 submitters: Likely benign (4). 1 of the submissions does not count toward it. Last evaluated 2026-01-18.

Conditions:
Joubert syndrome 21 (JBTS21). Identifiers: MedGen C3810212, MONDO:0014288, OMIM 615636.
CSPP1-related disorder. Also called: CSPP1-related condition.

Allele frequency attached by ClinVar (database versions not stated): gnomAD exomes 0.00044; ExAC 0.00050; ESP Exome Variant Server 0.00167; gnomAD 0.00188 and 0.00198; TOPMed 0.00204; 1000 Genomes Project 0.00220; 1000 Genomes Project 30x 0.00234.
gnomAD v4.1: 590 of 1,613,862 alleles (0.037%); highest among the groups gnomAD compares: African/African-American, 0.72%; 7 homozygotes.

Submissions (5):

Labcorp Genetics (formerly Invitae), Labcorp
Classification: Likely benign for Joubert syndrome 21. Last evaluated: 2026-01-18. Review status: criteria provided, single submitter. Criteria: Invitae Variant Classification Sherloc (09022015). Collection method: clinical testing. Allele origin: germline.

CeGaT Center for Human Genetics Tuebingen
Classification: Likely benign. Last evaluated: 2025-03-01. Review status: criteria provided, single submitter. Criteria: CeGaT Center For Human Genetics Tuebingen Variant Classification Criteria Version 2. Collection method: clinical testing. Allele origin: germline. Affected: yes. Observed: 1 variant allele.
Comment: CSPP1: BP4, BS2

Blueprint Genetics
Classification: Likely benign. Last evaluated: 2024-07-23. Review status: criteria provided, single submitter. Criteria: ACMG Guidelines, 2015. Collection method: clinical testing. Allele origin: germline.

GeneDx
Classification: Likely benign. Last evaluated: 2021-03-31. Review status: criteria provided, single submitter. Criteria: GeneDx Variant Classification Process June 2021. Collection method: clinical testing. Allele origin: germline. Affected: yes.

PreventionGenetics, part of Exact Sciences
Classification: Likely benign for CSPP1-related condition. Last evaluated: 2020-01-22. Review status: no assertion criteria provided. Collection method: clinical testing. Allele origin: germline. Not counted in ClinVar's aggregate classification.
Comment: This variant is classified as likely benign based on ACMG/AMP sequence variant interpretation guidelines (Richards et al. 2015 PMID: 25741868, with internal and published modifications).

NM_001382391.1(CSPP1):c.2590A>C (p.Ser864Arg)

Gene: CSPP1 (centrosome and spindle pole associated protein 1; plus strand). Cytogenetic location: 8q13.2.
Variant type: single nucleotide variant.
Coding change: c.2590A>C on transcript NM_001382391.1 (MANE Select); coding-DNA position 2590, A replaced by C.
Protein change: p.Ser864Arg; replaces serine 864 with arginine.
Molecular consequence: missense variant.
Genome position (GRCh38, 1-based): chr8:67,161,862, A>C. VCF-style: chr8-67161862-A-C. GRCh37 (hg19) VCF-style: chr8-68074097-A-C.
Other names: c.1540A>C, p.Ser514Arg (NM_001291339.2); c.2509A>C, p.Ser837Arg (NM_001363131.2); c.2395A>C, p.Ser799Arg (NM_001363132.2); c.2314A>C, p.Ser772Arg (NM_001363133.2); c.2656A>C, p.Ser886Arg (NM_001364869.1); c.2476A>C, p.Ser826Arg (NM_001364870.1); c.2575A>C, p.Ser859Arg (NM_024790.7); short protein forms S859R, S514R, S799R, S826R, S772R, S837R, S886R, S864R.
Identifiers: ClinVar variation 384857 (VCV000384857.24), dbSNP rs201259375, ClinGen allele CA4770879.